The following is an entry in ClinVar:

NM_000169.3(GLA):c.734G>A (p.Trp245Ter)

Genes: GLA (galactosidase alpha; minus strand), RPL36A-HNRNPH2 (RPL36A-HNRNPH2 readthrough; plus strand). Cytogenetic location: Xq22.1.
Variant type: single nucleotide variant.
Coding change: c.734G>A on transcript NM_000169.3 (MANE Select); coding-DNA position 734, G replaced by A.
Protein change: p.Trp245Ter; replaces tryptophan 245 with a stop codon.
Molecular consequence: nonsense. On other transcripts: non-coding transcript variant (3), intron variant (2).
Genome position (GRCh38, 1-based): chrX:101,398,852, C>T on the plus strand (G>A on the coding strand, the complement: GLA is on the minus strand). VCF-style: chrX-101398852-C-T. GRCh37 (hg19) VCF-style: chrX-100653840-C-T.
Other names: NP_000160.1:p.Trp245*; c.857G>A, p.Trp286Ter (NM_001406747.1); c.734G>A, p.Trp245Ter (NM_001406748.1); c.300+3395C>T (NM_001199973.2); c.177+7030C>T (NM_001199974.2); short protein forms W245*, W286*.
Identifiers: ClinVar variation 92564 (VCV000092564.18), dbSNP rs398123220, ClinGen allele CA022030.

ClinVar aggregate classification (germline): Pathogenic. Review status: criteria provided, multiple submitters, no conflicts (2 of 4 stars). 5 submissions from 5 submitters: Pathogenic (5). Last evaluated 2026-09-08.

Conditions:
Fabry disease. Also called: Fabry's disease; Angiokeratoma corporis diffusum; ALPHA-GALACTOSIDASE A DEFICIENCY; ANDERSON-FABRY DISEASE; CERAMIDE TRIHEXOSIDASE DEFICIENCY; Ceramide trihexosidosis. Identifiers: Orphanet 324, MedGen C0002986, MONDO:0010526, OMIM 301500, HP:0001071. Disease mechanism: loss of function, Fabry disease is due to inactivating mutations in the X-linked GLA gene resulting in deficiency of the enzyme Alpha Galactosidase-A..

Submissions (5):

Genomenon, Inc
Classification: Pathogenic for Fabry disease. Last evaluated: 2026-09-08. Review status: criteria provided, single submitter. Criteria: Genomenon Sequence Variant Interpretation Standards - Updated. Collection method: curation. Allele origin: germline. Affected: yes.
Comment: GLA p.Trp245Ter (c.734G>A) is a nonsense variant that introduces a premature stop codon at amino acid position 245 and is predicted to result in a truncated or absent protein product. This variant has been observed in at least one proband with clinical features consistent with Fabry disease (PMID:12428061). It is absent or not present at a significant frequency in gnomAD. In conclusion, we classify GLA p.Trp245Ter (c.734G>A) as a pathogenic variant.

Genome-Nilou Lab
Classification: Pathogenic for Fabry disease. Last evaluated: 2021-07-15. Review status: criteria provided, single submitter. Criteria: ACMG Guidelines, 2015. Collection method: clinical testing. Allele origin: germline. Affected: no.

Labcorp Genetics (formerly Invitae), Labcorp
Classification: Pathogenic for Fabry disease. Last evaluated: 2021-04-08. Review status: criteria provided, single submitter. Criteria: Invitae Variant Classification Sherloc (09022015). Collection method: clinical testing. Allele origin: germline.
Comment: For these reasons, this variant has been classified as Pathogenic. This variant has been observed in individual(s) with Fabry disease (PMID: 12428061). ClinVar contains an entry for this variant (Variation ID: 92564). This variant is not present in population databases (ExAC no frequency). This sequence change creates a premature translational stop signal (p.Trp245*) in the GLA gene. It is expected to result in an absent or disrupted protein product. Loss-of-function variants in GLA are known to be pathogenic (PMID: 10666480, 12175777).

Women's Health and Genetics/Laboratory Corporation of America, LabCorp
Classification: Pathogenic for Fabry disease. Last evaluated: 2019-10-22. Review status: criteria provided, single submitter. Criteria: LabCorp Variant Classification Summary - May 2015. Collection method: clinical testing. Allele origin: germline.
Comment: Variant summary: GLA c.734G>A (p.Trp245X) results in a premature termination codon, predicted to cause a truncation of the encoded protein or absence of the protein due to nonsense mediated decay, which are commonly known mechanisms for disease. Truncations downstream of this position have been classified as pathogenic by our laboratory. The variant was absent in 183472 control chromosomes. c.734G>A has been reported in the literature in individuals affected with Fabry Disease (Germain_2015, Germain_2002, Sakurab_2018, Tsukimura_2014). These data indicate that the variant may be associated with disease. To our knowledge, no experimental evidence demonstrating an impact on protein function has been reported. A ClinVar submission (evaluation after 2014) cites the variant as pathogenic. Based on the evidence outlined above, the variant was classified as pathogenic.

Eurofins Ntd Llc (ga)
Classification: Pathogenic. Last evaluated: 2017-09-06. Review status: criteria provided, single submitter. Criteria: EGL Classification Definitions 2015. Collection method: clinical testing. Allele origin: germline. Observed: 9 variant alleles, 6 heterozygotes, 3 hemizygotes.

Literature cited by the submitters: PubMed 12428061 (cited by 4 submitters); PubMed 10666480 (cited by Labcorp Genetics (formerly Invitae), Labcorp); PubMed 12175777 (cited by Labcorp Genetics (formerly Invitae), Labcorp); PubMed 25511234 (cited by Women's Health and Genetics/Laboratory Corporation of America, LabCorp); PubMed 30386727 (cited by Women's Health and Genetics/Laboratory Corporation of America, LabCorp); PubMed 27896103 (cited by Women's Health and Genetics/Laboratory Corporation of America, LabCorp).